The following is an entry in ClinVar:

NM_206933.4(USH2A):c.8845+9G>C

Gene: USH2A (usherin; minus strand). Cytogenetic location: 1q41.
Variant type: single nucleotide variant.
Coding change: c.8845+9G>C on transcript NM_206933.4 (MANE Select); 9 bases into the intron after coding-DNA position 8845, G replaced by C.
Molecular consequence: intron variant.
Genome position (GRCh38, 1-based): chr1:215,866,998, C>G on the plus strand (G>C on the coding strand, the complement: USH2A is on the minus strand). VCF-style: chr1-215866998-C-G. GRCh37 (hg19) VCF-style: chr1-216040340-C-G.
Identifiers: ClinVar variation 228226 (VCV000228226.5), dbSNP rs748060796, ClinGen allele CA1394491.

ClinVar aggregate classification (germline): Likely benign (1 of 4 stars; one submission).

Allele frequency attached by ClinVar (database versions not stated): gnomAD exomes below 0.00001; ExAC 0.00001.
gnomAD v4.1: 1 of 1,613,606 alleles (0.000062%); highest among the groups gnomAD compares: Non-Finnish European, 0.000085%; no homozygotes.

Submission:

Laboratory for Molecular Medicine, Mass General Brigham Personalized Medicine
Classification: Likely benign. Last evaluated: 2015-05-05. Review status: criteria provided, single submitter. Criteria: LMM Criteria. Collection method: clinical testing. Allele origin: germline. Observed: 1 variant allele.
Comment: c.8845+9G>C in intron 44 of USH2A: This variant is not expected to have clinical significance because it is not located within the conserved splice consensus se quence. It has been identified in 1/66680 European chromosomes by the Exome Aggr egation Consortium (ExAC).